The following is an entry in ClinVar:

ClinVar aggregate classification (germline): Pathogenic (1 of 4 stars; one submission).

Conditions:
Cerebral cavernous malformation 2. Also called: Familial Cerebral Cavernous Malformation 2. Identifiers: Orphanet 221061, MedGen C1864041, MONDO:0011304, OMIM 603284.

Submission:

Labcorp Genetics (formerly Invitae), Labcorp
Classification: Pathogenic for Cerebral cavernous malformation 2. Last evaluated: 2024-09-13. Review status: criteria provided, single submitter. Criteria: Invitae Variant Classification Sherloc (09022015). Collection method: clinical testing. Allele origin: germline.
Comment: This sequence change creates a premature translational stop signal (p.Pro16Asnfs*5) in the CCM2 gene. It is expected to result in an absent or disrupted protein product. Loss-of-function variants in CCM2 are known to be pathogenic (PMID: 18300272, 24689081). This variant is not present in population databases (gnomAD no frequency). This variant has not been reported in the literature in individuals affected with CCM2-related conditions. For these reasons, this variant has been classified as Pathogenic.

Literature cited by the submitters: PubMed 18300272; PubMed 24689081.

NM_031443.4(CCM2):c.45_51del (p.Pro16fs)

Gene: CCM2 (CCM2 scaffold protein; plus strand). Cytogenetic location: 7p13.
Variant type: Deletion.
Coding change: c.45_51del on transcript NM_031443.4 (MANE Select); coding-DNA positions 45 to 51, 7 bases deleted (GCCATTT; older notation c.45_51delGCCATTT).
Protein change: p.Pro16fs; shifts the reading frame from proline 16.
Molecular consequence: frameshift variant. On other transcripts: non-coding transcript variant (1), intron variant (2).
Genome position (GRCh38, 1-based): chr7:45,038,267-45,038,273, GCCATTT deleted. VCF-style (leftmost placement, unchanged base first): chr7-45038266-CGCCATTT-C. GRCh37 (hg19) VCF-style: chr7-45077865-CGCCATTT-C.
Other names: c.108_114del, p.Pro37fs (NM_001029835.2); c.45_51del, p.Pro16fs (NM_001167935.2, NM_001363458.2); c.31-25651_31-25645del (NM_001363459.2, NM_001167934.2); short protein forms P37fs, P16fs.
Identifiers: ClinVar variation 3653625 (VCV003653625.2).
Genomic context (GRCh38, chr7:45,038,266, plus strand): 5'-AGCATTTGTAAATAATGAACTCCAATCATTGCCGTTTCTGCCTGCAGCCTGGAATTGTCT[CGCCATTT>C]AAACGAGTATTCCTAAAAGGTGAAAAGAGTAGAGATAAGAAAGCCCATGAGAAGGTGACA-3'